The following is an entry in ClinVar:

NM_000090.4(COL3A1):c.2440G>A (p.Ala814Thr)

Genes: COL3A1 (collagen type III alpha 1 chain; plus strand), LOC126806446 (P300/CBP strongly-dependent group 1 enhancer GRCh37_chr2:189866210-189867409; plus strand). Cytogenetic location: 2q32.2.
Variant type: single nucleotide variant.
Coding change: c.2440G>A on transcript NM_000090.4 (MANE Select); coding-DNA position 2440, G replaced by A.
Protein change: p.Ala814Thr; replaces alanine 814 with threonine.
Molecular consequence: missense variant.
Genome position (GRCh38, 1-based): chr2:189,002,346, G>A. VCF-style: chr2-189002346-G-A. GRCh37 (hg19) VCF-style: chr2-189867072-G-A.
Other names: short protein forms A814T.
Identifiers: ClinVar variation 925325 (VCV000925325.7), dbSNP rs1688486281, ClinGen allele CA349842669.

ClinVar aggregate classification (germline): Uncertain significance. Review status: criteria provided, multiple submitters, no conflicts (2 of 4 stars). 2 submissions from 2 submitters: Uncertain significance (2). Last evaluated 2024-06-17.

Conditions:
Familial thoracic aortic aneurysm and aortic dissection (TAAD). Also called: Thoracic aortic aneurysms and dissections. Identifiers: Orphanet 91387, MedGen C4707243, MONDO:0019625.
Ehlers-Danlos syndrome, type 4 (EDSVASC). Also called: Ehlers-Danlos syndrome vascular type; Ehlers Danlos syndrome, ecchymotic type; Ehlers Danlos syndrome, arterial type; Ehlers Danlos syndrome, Sack-Barabas type; Ehlers-Danlos Syndrome Type IV. Identifiers: Orphanet 286, MedGen C0268338, MONDO:0017314, OMIM 130050.

Submissions (2):

All of Us Research Program, National Institutes of Health
Classification: Uncertain significance for Ehlers-Danlos syndrome, type 4. Last evaluated: 2024-06-17. Review status: criteria provided, single submitter. Criteria: ACMG Guidelines, 2015. Collection method: clinical testing. Allele origin: germline. Inheritance: Autosomal dominant inheritance. Observed: 2 variant alleles, 2 heterozygotes.
Comment: Variant of Uncertain Significance due to insufficient evidence: This missense variant is located in the triple-helical region of the COL3A1 protein. Computational prediction tools and conservation analyses are inconclusive regarding the impact of this variant on the protein function. Computational splicing tools suggest that this variant may not impact RNA splicing. To our knowledge, functional assays have not been performed for this variant nor has this variant been reported in individuals affected with cardiovascular disorders in the literature. This variant is rare in the general population and has been identified in 0/277264 chromosomes by the Genome Aggregation Database (gnomAD). Available evidence is insufficient to determine the pathogenicity of this variant conclusively.

This study involves interpretation of variants in research participants for the purpose of population health screening. Participant phenotype was not available at the time of variant classification. Additional details can be found in publication PMID: 35346344, PMCID: PMC8962531

Color Diagnostics, LLC DBA Color Health
Classification: Uncertain significance for Familial thoracic aortic aneurysm and aortic dissection. Last evaluated: 2024-03-06. Review status: criteria provided, single submitter. Criteria: ACMG Guidelines, 2015. Collection method: clinical testing. Allele origin: germline.
Comment: This missense variant replaces alanine with threonine at codon 814 of the COL3A1 protein. Computational prediction suggests that this variant may not impact protein structure and function (internally defined REVEL score threshold <= 0.5, PMID: 27666373). To our knowledge, functional studies have not been reported for this variant. This variant has not been reported in individuals affected with COL3A1-related disorders in the literature. This variant has not been identified in the general population by the Genome Aggregation Database (gnomAD). The available evidence is insufficient to determine the role of this variant in disease conclusively. Therefore, this variant is classified as a Variant of Uncertain Significance.